The following is an entry in ClinVar:

NM_000363.5(TNNI3):c.337G>A (p.Asp113Asn)

Gene: TNNI3 (troponin I3, cardiac type; minus strand). Cytogenetic location: 19q13.42.
Variant type: single nucleotide variant.
Coding change: c.337G>A on transcript NM_000363.5 (MANE Select); coding-DNA position 337, G replaced by A.
Protein change: p.Asp113Asn; replaces aspartic acid 113 with asparagine.
Molecular consequence: missense variant.
Genome position (GRCh38, 1-based): chr19:55,154,776, C>T on the plus strand (G>A on the coding strand, the complement: TNNI3 is on the minus strand). VCF-style: chr19-55154776-C-T. GRCh37 (hg19) VCF-style: chr19-55666144-C-T.
Other names: c.337G>A (NM_000363.4); short protein forms D113N.
Identifiers: ClinVar variation 1503262 (VCV001503262.6), dbSNP rs779064799, ClinGen allele CA310148827.

ClinVar aggregate classification (germline): Uncertain significance. Review status: criteria provided, multiple submitters, no conflicts (2 of 4 stars). 2 submissions from 2 submitters: Uncertain significance (2). Last evaluated 2024-08-21.

Conditions:
Cardiovascular phenotype. Identifiers: MedGen CN230736.
Hypertrophic cardiomyopathy. Also called: HYPERTROPHIC MYOCARDIOPATHY. Identifiers: Orphanet 217569, MedGen C0007194, MeSH D002312, MONDO:0005045, HP:0001639.

gnomAD v4.1: 2 of 1,614,190 alleles (0.00012%); highest among the groups gnomAD compares: Non-Finnish European, 0.00017%; no homozygotes.

Submissions (2):

Labcorp Genetics (formerly Invitae), Labcorp
Classification: Uncertain significance for Hypertrophic cardiomyopathy. Last evaluated: 2024-08-21. Review status: criteria provided, single submitter. Criteria: Invitae Variant Classification Sherloc (09022015). Collection method: clinical testing. Allele origin: germline.
Comment: This sequence change replaces aspartic acid, which is acidic and polar, with asparagine, which is neutral and polar, at codon 113 of the TNNI3 protein (p.Asp113Asn). This variant is not present in population databases (gnomAD no frequency). This variant has not been reported in the literature in individuals affected with TNNI3-related conditions. ClinVar contains an entry for this variant (Variation ID: 1503262). An algorithm developed to predict the effect of missense changes on protein structure and function (PolyPhen-2) suggests that this variant is likely to be tolerated. In summary, the available evidence is currently insufficient to determine the role of this variant in disease. Therefore, it has been classified as a Variant of Uncertain Significance.

Ambry Genetics
Classification: Uncertain significance for Cardiovascular phenotype. Last evaluated: 2022-08-17. Review status: criteria provided, single submitter. Criteria: Ambry Variant Classification Scheme 2023. Collection method: clinical testing. Allele origin: germline.